The following is an entry in ClinVar:

NM_013382.7(POMT2):c.548A>G (p.Asp183Gly)

Gene: POMT2 (protein O-mannosyltransferase 2; minus strand). Cytogenetic location: 14q24.3.
Variant type: single nucleotide variant.
Coding change: c.548A>G on transcript NM_013382.7 (MANE Select); coding-DNA position 548, A replaced by G.
Protein change: p.Asp183Gly; replaces aspartic acid 183 with glycine.
Molecular consequence: missense variant.
Genome position (GRCh38, 1-based): chr14:77,302,943, T>C on the plus strand (A>G on the coding strand, the complement: POMT2 is on the minus strand). VCF-style: chr14-77302943-T-C. GRCh37 (hg19) VCF-style: chr14-77769286-T-C.
Other names: short protein forms D183G.
Identifiers: ClinVar variation 966731 (VCV000966731.10), dbSNP rs1891099770, ClinGen allele CA390520653.

ClinVar aggregate classification (germline): Uncertain significance (1 of 4 stars; one submission).

Conditions:
Muscular dystrophy-dystroglycanopathy (congenital with brain and eye anomalies), type A2. Also called: MUSCULAR DYSTROPHY-DYSTROGLYCANOPATHY (CONGENITAL WITH BRAIN AND EYE ANOMALIES), TYPE A, 2; WALKER-WARBURG SYNDROME OR MUSCLE-EYE-BRAIN DISEASE, POMT2-RELATED. Identifiers: Orphanet 588, Orphanet 899, MedGen C3150411, MONDO:0013154, OMIM 613150.
Muscular dystrophy-dystroglycanopathy (congenital with impaired intellectual development), type B, 2. Also called: Muscular dystrophy-dystroglycanopathy (congenital with intellectual disability), type B2; MUSCULAR DYSTROPHY, CONGENITAL, POMT2-RELATED. Identifiers: MedGen C3150416, MONDO:0013160, OMIM 613156.
Autosomal recessive limb-girdle muscular dystrophy type 2N. Also called: Muscular dystrophy-dystroglycanopathy (limb-girdle), type C, 2; MUSCULAR DYSTROPHY-DYSTROGLYCANOPATHY, LIMB-GIRDLE, POMT2-RELATED. Identifiers: Orphanet 206559, MedGen C3150418, MONDO:0013162, OMIM 613158.

Allele frequency attached by ClinVar (database versions not stated): gnomAD exomes below 0.00001.
gnomAD v4.1: 1 of 1,609,558 alleles (0.000062%); highest among the groups gnomAD compares: Non-Finnish European, 0.000085%; no homozygotes.

Submission:

Labcorp Genetics (formerly Invitae), Labcorp
Classification: Uncertain significance for Muscular dystrophy-dystroglycanopathy (congenital with impaired intellectual development), type B, 2; Muscular dystrophy-dystroglycanopathy (congenital with brain and eye anomalies), type A2; Autosomal recessive limb-girdle muscular dystrophy type 2N. Last evaluated: 2023-07-17. Review status: criteria provided, single submitter. Criteria: Invitae Variant Classification Sherloc (09022015). Collection method: clinical testing. Allele origin: germline.
Comment: This sequence change replaces aspartic acid, which is acidic and polar, with glycine, which is neutral and non-polar, at codon 183 of the POMT2 protein (p.Asp183Gly). In summary, the available evidence is currently insufficient to determine the role of this variant in disease. Therefore, it has been classified as a Variant of Uncertain Significance. An algorithm developed to predict the effect of missense changes on protein structure and function (PolyPhen-2) suggests that this variant is likely to be disruptive. ClinVar contains an entry for this variant (Variation ID: 966731). This variant has not been reported in the literature in individuals affected with POMT2-related conditions. This variant is not present in population databases (gnomAD no frequency).